The following is an entry in ClinVar:

NM_001042492.3(NF1):c.4219del (p.Ser1407fs)

Gene: NF1 (neurofibromin 1; plus strand). Cytogenetic location: 17q11.2.
Variant type: Deletion.
Coding change: c.4219del on transcript NM_001042492.3 (MANE Select); coding-DNA position 4219, one base deleted (A; older notation c.4219delA).
Protein change: p.Ser1407fs; shifts the reading frame from serine 1407.
Molecular consequence: frameshift variant.
Genome position (GRCh38, 1-based): chr17:31,258,389, A deleted; the last of 2 consecutive A bases (chr17:31,258,388-31,258,389); deleting either gives the same sequence. VCF-style (leftmost placement, unchanged base first): chr17-31258387-GA-G. GRCh37 (hg19) VCF-style: chr17-29585405-GA-G.
Other names: c.4156delA, p.Ser1386Valfs (NM_000267.4); short protein forms S1407fs, S1386fs.
Identifiers: ClinVar variation 3722668 (VCV003722668.2).

ClinVar aggregate classification (germline): Pathogenic (1 of 4 stars; one submission).

Conditions:
Neurofibromatosis, type 1 (NF1). Also called: VON RECKLINGHAUSEN DISEASE; NEUROFIBROMATOSIS, TYPE I, SOMATIC; Peripheral type neurofibromatosis; Neurofibromatosis, type I. Identifiers: Orphanet 636, MedGen C0027831, MONDO:0018975, OMIM 162200. Disease mechanism: loss of function.

Submission:

Labcorp Genetics (formerly Invitae), Labcorp
Classification: Pathogenic for Neurofibromatosis, type 1. Last evaluated: 2024-05-16. Review status: criteria provided, single submitter. Criteria: Invitae Variant Classification Sherloc (09022015). Collection method: clinical testing. Allele origin: germline.
Comment: This sequence change creates a premature translational stop signal (p.Ser1386Valfs*21) in the NF1 gene. It is expected to result in an absent or disrupted protein product. Loss-of-function variants in NF1 are known to be pathogenic (PMID: 10712197, 23913538). This variant is not present in population databases (gnomAD no frequency). This premature translational stop signal has been observed in individual(s) with neurofibromatosis type 1 (PMID: 9003501). This variant is also known as 4155–4156delA. For these reasons, this variant has been classified as Pathogenic.

Literature cited by the submitters: PubMed 10712197; PubMed 23913538; PubMed 9003501.